The following is an entry in ClinVar:

NM_000203.5(IDUA):c.608_612dup (p.Cys205fs)

Gene: IDUA (alpha-L-iduronidase; plus strand). Cytogenetic location: 4p16.3.
Variant type: Duplication.
Coding change: c.608_612dup on transcript NM_000203.5 (MANE Select); coding-DNA positions 608 to 612, 5 bases duplicated (ATGCC; older notation c.608_612dupATGCC).
Protein change: p.Cys205fs; shifts the reading frame from cysteine 205.
Molecular consequence: frameshift variant. On other transcripts: non-coding transcript variant (1).
Genome position (GRCh38, 1-based): chr4:1,001,697-1,001,701, ATGCC duplicated. VCF-style (leftmost placement, unchanged base first): chr4-1001696-G-GATGCC. GRCh37 (hg19) VCF-style: chr4-995484-G-GATGCC.
Other names: c.212_216dup, p.Cys73fs (NM_001363576.1); short protein forms C205fs, C73fs.
Identifiers: ClinVar variation 4817935 (VCV004817935.1).
Genomic context (GRCh38, chr4:1,001,696, plus strand): 5'-TCATCCCCAGGGCAGGTGTAGACGCAGTGCTCCCCCGGCCCAGGCTTCCTGAACTACTAC[G>GATGCC]ATGCCTGCTCGGAGGGTCTGCGCGCCGCCAGCCCCGCCCTGCGGCTGGGAGGCCCCGGCG-3'

ClinVar aggregate classification (germline): Likely pathogenic (1 of 4 stars; one submission).

Conditions:
Mucopolysaccharidosis type 1. Also called: IDUA deficiency; MPS I; Mucopolysaccharidosis Type I. Identifiers: Orphanet 579, MedGen C0023786, MONDO:0001586.

Submission:

Natera, Inc.
Classification: Likely pathogenic for Mucopolysaccharidosis type I. Last evaluated: 2024-06-10. Review status: criteria provided, single submitter. Criteria: Natera Variant Classification Schema (03/2026). Collection method: clinical testing. Allele origin: germline.
Comment: The c.608_612dup variant in IDUA is a frameshift variant predicted to shift the reading frame beginning at codon 205 and leads to a stop codon 31 codons downstream. This variant is expected to result in nonsense mediated decay, truncation, or a dysfunctional protein product. This variant is rare in the general population with a frequency below the threshold expected for the associated phenotype(s). Given the available evidence, this variant is classified as Likely Pathogenic.